The following is an entry in ClinVar:

NM_003265.3(TLR3):c.2702A>T (p.Asn901Ile)

Gene: TLR3 (toll like receptor 3; plus strand). Cytogenetic location: 4q35.1.
Variant type: single nucleotide variant.
Coding change: c.2702A>T on transcript NM_003265.3 (MANE Select); coding-DNA position 2702, A replaced by T.
Protein change: p.Asn901Ile; replaces asparagine 901 with isoleucine.
Molecular consequence: missense variant.
Genome position (GRCh38, 1-based): chr4:186,084,860, A>T. VCF-style: chr4-186084860-A-T. GRCh37 (hg19) VCF-style: chr4-187006014-A-T.
Other names: short protein forms N901I.
Identifiers: ClinVar variation 4778154 (VCV004778154.1).

ClinVar aggregate classification (germline): Uncertain significance (1 of 4 stars; one submission).

Conditions:
Encephalopathy, acute, infection-induced (herpes-specific), susceptibility to, 1. Also called: Herpes simplex encephalitis, susceptibility to, 1. Identifiers: Orphanet 1930, MedGen C2750180, MONDO:0024563, OMIM 610551.

gnomAD v4.1: 4 of 1,612,838 alleles (0.00025%); highest among the groups gnomAD compares: Admixed American, 0.0017%; no homozygotes.

Submission:

Labcorp Genetics (formerly Invitae), Labcorp
Classification: Uncertain significance for Encephalopathy, acute, infection-induced (herpes-specific), susceptibility to, 1. Last evaluated: 2026-01-11. Review status: criteria provided, single submitter. Criteria: Invitae Variant Classification Sherloc (09022015). Collection method: clinical testing. Allele origin: germline.
Comment: This sequence change replaces asparagine, which is neutral and polar, with isoleucine, which is neutral and non-polar, at codon 901 of the TLR3 protein (p.Asn901Ile). This variant is present in population databases (no rsID available, gnomAD 0.006%). This variant has not been reported in the literature in individuals affected with TLR3-related conditions. An algorithm developed to predict the effect of missense changes on protein structure and function (PolyPhen-2) suggests that this variant is likely to be disruptive. In summary, the available evidence is currently insufficient to determine the role of this variant in disease. Therefore, it has been classified as a Variant of Uncertain Significance.